The following is an entry in ClinVar:

NM_182916.3(TRNT1):c.847A>G (p.Lys283Glu)

Gene: TRNT1 (tRNA nucleotidyl transferase 1; plus strand). Cytogenetic location: 3p26.2.
Variant type: single nucleotide variant.
Coding change: c.847A>G on transcript NM_182916.3 (MANE Select); coding-DNA position 847, A replaced by G.
Protein change: p.Lys283Glu; replaces lysine 283 with glutamic acid.
Molecular consequence: missense variant. On other transcripts: non-coding transcript variant (8).
Genome position (GRCh38, 1-based): chr3:3,147,494, A>G. VCF-style: chr3-3147494-A-G. GRCh37 (hg19) VCF-style: chr3-3189178-A-G.
Other names: c.787A>G, p.Lys263Glu (NM_001302946.2); c.847A>G, p.Lys283Glu (NM_001367321.1, NM_001367322.1, NM_001367323.1); short protein forms K283E, K263E.
Identifiers: ClinVar variation 950461 (VCV000950461.4), dbSNP rs749437475, ClinGen allele CA2228814.

ClinVar aggregate classification (germline): Uncertain significance (1 of 4 stars; one submission).

Conditions:
Congenital sideroblastic anemia-B-cell immunodeficiency-periodic fever-developmental delay syndrome. Also called: Sideroblastic anemia with B-cell immunodeficiency, periodic fevers, and developmental delay. Identifiers: Orphanet 369861, MedGen C4015172, MONDO:0014487, OMIM 616084.

Allele frequency attached by ClinVar (database versions not stated): TOPMed 0.00001; ExAC 0.00002; gnomAD exomes 0.00002.
gnomAD v4.1: 20 of 1,613,854 alleles (0.0012%); highest among the groups gnomAD compares: East Asian, 0.0067%; no homozygotes.

Submission:

Labcorp Genetics (formerly Invitae), Labcorp
Classification: Uncertain significance for Congenital sideroblastic anemia-B-cell immunodeficiency-periodic fever-developmental delay syndrome. Last evaluated: 2021-08-31. Review status: criteria provided, single submitter. Criteria: Invitae Variant Classification Sherloc (09022015). Collection method: clinical testing. Allele origin: germline.
Comment: This sequence change replaces lysine with glutamic acid at codon 283 of the TRNT1 protein (p.Lys283Glu). The lysine residue is moderately conserved and there is a small physicochemical difference between lysine and glutamic acid. This variant is present in population databases (rs749437475, ExAC 0.02%). This variant has not been reported in the literature in individuals affected with TRNT1-related conditions. Algorithms developed to predict the effect of missense changes on protein structure and function (SIFT, PolyPhen-2, Align-GVGD) all suggest that this variant is likely to be tolerated. In summary, the available evidence is currently insufficient to determine the role of this variant in disease. Therefore, it has been classified as a Variant of Uncertain Significance.